The following is an entry in ClinVar:

NM_021930.6(RINT1):c.802G>A (p.Glu268Lys)

Gene: RINT1 (RAD50 interactor 1; plus strand). Cytogenetic location: 7q22.3.
Variant type: single nucleotide variant.
Coding change: c.802G>A on transcript NM_021930.6 (MANE Select); coding-DNA position 802, G replaced by A.
Protein change: p.Glu268Lys; replaces glutamic acid 268 with lysine.
Molecular consequence: missense variant. On other transcripts: 5 prime UTR variant (2), non-coding transcript variant (1), intron variant (1).
Genome position (GRCh38, 1-based): chr7:105,547,296, G>A. VCF-style: chr7-105547296-G-A. GRCh37 (hg19) VCF-style: chr7-105187743-G-A.
Other names: c.568G>A, p.Glu190Lys (NM_001346599.2); c.-218G>A (NM_001346600.2); c.-121G>A (NM_001346601.2); c.-27-2759G>A (NM_001346603.2); short protein forms E268K, E190K.
Identifiers: ClinVar variation 3314476 (VCV003314476.1).

ClinVar aggregate classification (germline): Uncertain significance (1 of 4 stars; one submission).

Submission:

Ambry Genetics
Classification: Uncertain significance. Last evaluated: 2024-05-24. Review status: criteria provided, single submitter. Criteria: Ambry Variant Classification Scheme 2023. Collection method: clinical testing. Allele origin: germline.
Comment: The p.E268K variant (also known as c.802G>A), located in coding exon 6 of the RINT1 gene, results from a G to A substitution at nucleotide position 802. The glutamic acid at codon 268 is replaced by lysine, an amino acid with similar properties. This amino acid position is conserved. In addition, the in silico prediction for this alteration is inconclusive. Based on the available evidence, the clinical significance of this variant remains unclear.